The following is an entry in ClinVar:

ClinVar aggregate classification (germline): Likely pathogenic (1 of 4 stars; one submission).

Conditions:
Duchenne muscular dystrophy (DMD). Also called: Duchenne Muscular Dystrophy (DMD); MUSCULAR DYSTROPHY, PSEUDOHYPERTROPHIC PROGRESSIVE, DUCHENNE TYPE. Identifiers: Orphanet 98896, MedGen C0013264, MONDO:0010679, OMIM 310200.

Submission:

Labcorp Genetics (formerly Invitae), Labcorp
Classification: Likely pathogenic for Duchenne muscular dystrophy. Last evaluated: 2021-11-13. Review status: criteria provided, single submitter. Criteria: Invitae Variant Classification Sherloc (09022015). Collection method: clinical testing. Allele origin: germline.
Comment: In summary, the currently available evidence indicates that the variant is pathogenic, but additional data are needed to prove that conclusively. Therefore, this variant has been classified as Likely Pathogenic. This variant has not been reported in the literature in individuals affected with DMD-related conditions. This variant results in a copy number gain of the genomic region encompassing exon(s) 53-59 of the DMD gene. While the exact position of this variant cannot be determined from the data, sub-genic copy number gains are generally in tandem (PMID: 25640679). This variant is predicted to be out-of-frame, and may result in an absent or disrupted protein product. Loss-of-function variants in DMD are known to be pathogenic (PMID: 16770791, 25007885).

Literature cited by the submitters: PubMed 25640679; PubMed 16770791; PubMed 25007885.

NC_000023.10:g.(?_31496203)_(31697723_?)dup

Gene: DMD (dystrophin; minus strand). Cytogenetic location: Xp21.2-21.1.
Variant type: Duplication.
Identifiers: ClinVar variation 2424982 (VCV002424982.5).